The following is an entry in ClinVar:

ClinVar aggregate classification (germline): Pathogenic (1 of 4 stars; one submission).

Submission:

Quest Diagnostics Nichols Institute San Juan Capistrano
Classification: Pathogenic. Last evaluated: 2022-06-17. Review status: criteria provided, single submitter. Criteria: ACMG/ClinGen CNV Guidelines, 2019. Collection method: clinical testing. Allele origin: unknown.
Comment: This copy number loss of 2p16.3 includes several exons from the 5' portion of NRXN1 (OMIM 600565). Heterozygous exonic deletions of NRXN1 are associated with a wide spectrum of neurodevelopmental and neuropsychiatric disorders including developmental delay, intellectual disability, autism spectrum disorder, schizophrenia, attention deficit hyperactivity disorder, epilepsy, Tourette syndrome, obsessive compulsive disorder, and Pitt Hopkins Syndrome 2 (when biallelic variants are present). See review in Fuccillo and Pak 2021; Castronovo 2020; Cosemans 2020. Deletions overlapping the region deleted in this individual are enriched in patients with neurodevelopmental disorders compared to controls (Lowther 2017). However, there is evidence for reduced penetrance (Cosemans 2020). Some exonic deletions in NRXN1 occur de novo while others are inherited from mildly affected or asymptomatic parents (Lowther 2017; Al Shehhi 2019). In addition, the current deletion overlaps losses reported in the general populations in the Database of Genomic Variants. Thus, this copy number variant is interpreted as pathogenic with incomplete penetrance and variable expressivity. References: Al Shehhi et al. Eur J Med Genet 2019 Mar;62(3):204-209 PMID:30031152 Castronovo et al. Clin Genet 2020 97:125-137 PMID:30873608 Cosemans et al. J Med Genet 2020 May;57(5):347-355 PMID: 31932357 Fuccillo and Pak. Curr Opin Genet Dev 2021 Jun;68:64-70 PMID:33756113 Lowther et al. Genet Med. 2017 Jan;19(1):53-61. PMID: 27195815

GRCh37/hg19 2p16.3(chr2:51183119-51354468)x1

Gene: NRXN1 (neurexin 1; minus strand). Cytogenetic location: 2p16.3.
Variant type: copy number loss.
Change: copy number 1 (one copy instead of two) of chr2:51,183,119-51,354,468 (171.3 kb, GRCh37 coordinates, 1-based), cytogenetic band 2p16.3.
Identifiers: ClinVar variation 1808706 (VCV001808706.1).